The following is an entry in ClinVar:

NM_015139.3(SLC35D1):c.812A>G (p.Tyr271Cys)

Gene: SLC35D1 (solute carrier family 35 member D1; minus strand). Cytogenetic location: 1p31.3.
Variant type: single nucleotide variant.
Coding change: c.812A>G on transcript NM_015139.3 (MANE Select); coding-DNA position 812, A replaced by G.
Protein change: p.Tyr271Cys; replaces tyrosine 271 with cysteine.
Molecular consequence: missense variant.
Genome position (GRCh38, 1-based): chr1:67,020,433, T>C on the plus strand (A>G on the coding strand, the complement: SLC35D1 is on the minus strand). VCF-style: chr1-67020433-T-C. GRCh37 (hg19) VCF-style: chr1-67486116-T-C.
Other names: c.812A>G (NM_015139.2); short protein forms Y271C.
Identifiers: ClinVar variation 1038736 (VCV001038736.11), dbSNP rs752637008, ClinGen allele CA898864.
Genomic context (GRCh38, chr1:67,020,433, plus strand): 5'-ATACAGCCAACTATTGTAGTTGTAAGAGCAGAATTATACTGCGTGCAGAGTACTGTGGCG[T>C]ACATTAAGATAAACCTAGAATGAAGAAAGAGGTATAAAATCCAGTTTCTCACTTTATACT-3'
Protein context (NP_055954.1, residues 261-281): LSCVMGFILM[Tyr271Cys]ATVLCTQYNS

ClinVar aggregate classification (germline): Uncertain significance. Review status: criteria provided, multiple submitters, no conflicts (2 of 4 stars). 2 submissions from 2 submitters: Uncertain significance (2). Last evaluated 2022-07-25.

Conditions:
Schneckenbecken dysplasia. Identifiers: Orphanet 3144, MedGen C0432194, MONDO:0010013, OMIM 269250.

Allele frequency attached by ClinVar (database versions not stated): gnomAD exomes below 0.00001 and 0.00001; ExAC 0.00001; gnomAD 0.00001; 1000 Genomes Project 30x 0.00016.
gnomAD v4.1: 4 of 1,607,428 alleles (0.00025%); highest among the groups gnomAD compares: Admixed American, 0.005%; no homozygotes.

Submissions (2):

GeneDx
Classification: Uncertain significance. Last evaluated: 2022-07-25. Review status: criteria provided, single submitter. Criteria: GeneDx Variant Classification Process June 2021. Collection method: clinical testing. Allele origin: germline. Affected: yes.
Comment: Not observed at significant frequency in large population cohorts (gnomAD); In silico analysis supports that this missense variant has a deleterious effect on protein structure/function; Has not been previously published as pathogenic or benign to our knowledge

Labcorp Genetics (formerly Invitae), Labcorp
Classification: Uncertain significance for Schneckenbecken dysplasia. Last evaluated: 2020-07-25. Review status: criteria provided, single submitter. Criteria: Invitae Variant Classification Sherloc (09022015). Collection method: clinical testing. Allele origin: germline.
Comment: In summary, the available evidence is currently insufficient to determine the role of this variant in disease. Therefore, it has been classified as a Variant of Uncertain Significance. Algorithms developed to predict the effect of missense changes on protein structure and function (SIFT, PolyPhen-2, Align-GVGD) all suggest that this variant is likely to be disruptive, but these predictions have not been confirmed by published functional studies and their clinical significance is uncertain. This variant has not been reported in the literature in individuals with SLC35D1-related disease. This variant is present in population databases (rs752637008, ExAC 0.009%). This sequence change replaces tyrosine with cysteine at codon 271 of the SLC35D1 protein (p.Tyr271Cys). The tyrosine residue is highly conserved and there is a large physicochemical difference between tyrosine and cysteine.